The following is an entry in ClinVar:

NM_000163.5(GHR):c.-12+643G>A

Genes: GHR (growth hormone receptor; plus strand), LOC107963950 (GHR upstream promoter region module A; plus strand). Cytogenetic location: 5p13.1.
Variant type: single nucleotide variant.
Coding change: c.-12+643G>A on transcript NM_000163.5 (MANE Select); 643 bases into the intron after 12 bases upstream of the start codon, G replaced by A.
Molecular consequence: intron variant. On other transcripts: missense variant (1), 5 prime UTR variant (1).
Genome position (GRCh38, 1-based): chr5:42,424,598, G>A. VCF-style: chr5-42424598-G-A. GRCh37 (hg19) VCF-style: chr5-42424700-G-A.
Other names: c.10G>A, p.Gly4Ser (NM_001242399.2); c.-297G>A (NM_001242400.2); short protein forms G4S.
Identifiers: ClinVar variation 931622 (VCV000931622.3), dbSNP rs1742761582, ClinGen allele CA359694340.

ClinVar aggregate classification (germline): Uncertain significance (1 of 4 stars; one submission).

Conditions:
Short stature due to partial GHR deficiency. Also called: GROWTH HORMONE DEFICIENCY, ISOLATED PARTIAL; GROWTH HORMONE INSENSITIVITY, PARTIAL; Growth hormone, insensitivity to, partial. Identifiers: Orphanet 314802, Orphanet 314811, MedGen C1858656, MONDO:0011420, OMIM 604271.

Submission:

Centre for Mendelian Genomics, University Medical Centre Ljubljana
Classification: Uncertain significance for Short stature due to partial GHR deficiency. Last evaluated: 2019-12-04. Review status: criteria provided, single submitter. Criteria: ACMG Guidelines, 2015. Collection method: clinical testing. Allele origin: unknown. Affected: yes.
Comment: This variant was classified as: Uncertain significance. The available evidence on this variant's pathogenicity is insufficient or conflicting. The following ACMG criteria were applied in classifying this variant: PM2,BP4.